The following is an entry in ClinVar:

ClinVar aggregate classification (germline): Likely pathogenic (1 of 4 stars; one submission).

Conditions:
Breast-ovarian cancer, familial, susceptibility to, 3. Also called: RAD51C-Related Breast/Ovarian Cancer. Identifiers: Orphanet 145, MedGen C3150659, MONDO:0013253, OMIM 613399.

Submission:

Myriad Genetics, Inc.
Classification: Likely pathogenic for Breast-ovarian cancer, familial, susceptibility to, 3. Last evaluated: 2024-01-03. Review status: criteria provided, single submitter. Criteria: Myriad Autosomal Dominant, Autosomal Recessive and X-Linked Classification Criteria (2023). Collection method: clinical testing. Allele origin: unknown.
Comment: This variant is considered likely pathogenic. This variant occurs within a consensus splice junction and is predicted to result in abnormal mRNA splicing of either an out-of-frame exon or an in-frame exon necessary for protein stability and/or normal function.

NM_058216.3(RAD51C):c.837+1_837+13del

Gene: RAD51C (RAD51 paralog C; plus strand). Cytogenetic location: 17q22.
Variant type: Deletion.
Coding change: c.837+1_837+13del on transcript NM_058216.3 (MANE Select); the canonical splice donor site of the intron after coding-DNA position 837 through 13 bases into the intron after coding-DNA position 837, 13 bases deleted (GTAAGTATTAACT).
Molecular consequence: splice donor variant.
Genome position (GRCh38, 1-based): chr17:58,709,991-58,710,003, GTAAGTATTAACT deleted; deleting any 13 consecutive bases within chr17:58,709,989-58,710,003 gives the same sequence; the c. name uses the placement nearest the transcript's 3' end. VCF-style (leftmost placement, unchanged base first): chr17-58709988-GCTGTAAGTATTAA-G. GRCh37 (hg19) VCF-style: chr17-56787349-GCTGTAAGTATTAA-G.
Identifiers: ClinVar variation 3148592 (VCV003148592.1), dbSNP rs2048502560, ClinGen allele CA2267822558.